The following is an entry in ClinVar:

NM_001211.6(BUB1B):c.2539C>T (p.Leu847Phe)

Gene: BUB1B (BUB1 mitotic checkpoint serine/threonine kinase B; plus strand). Cytogenetic location: 15q15.1.
Variant type: single nucleotide variant.
Coding change: c.2539C>T on transcript NM_001211.6 (MANE Select); coding-DNA position 2539, C replaced by T.
Protein change: p.Leu847Phe; replaces leucine 847 with phenylalanine.
Molecular consequence: missense variant.
Genome position (GRCh38, 1-based): chr15:40,213,335, C>T. VCF-style: chr15-40213335-C-T. GRCh37 (hg19) VCF-style: chr15-40505536-C-T.
Other names: short protein forms L847F.
Identifiers: ClinVar variation 3262263 (VCV003262263.1).
Genomic context (GRCh38, chr15:40,213,335, plus strand): 5'-ATAACTACGATCTGCCAAACTTGAGAAATAGTGAGTTTTCTGTCCTTCAATTTCCAGGAT[C>T]TTCTCCAACACAGTGAATATATTACCCATGAAATAACAGTGTTGATTATTTATAACCTTT-3'
Protein context (NP_001202.5, residues 837-857): QYINCFTLQD[Leu847Phe]LQHSEYITHE

ClinVar aggregate classification (germline): Uncertain significance (1 of 4 stars; one submission).

Conditions:
Inborn genetic diseases. Identifiers: MedGen C0950123, MeSH D030342.

Submission:

Ambry Genetics
Classification: Uncertain significance for Inborn genetic diseases. Last evaluated: 2024-05-17. Review status: criteria provided, single submitter. Criteria: Ambry Variant Classification Scheme 2023. Collection method: clinical testing. Allele origin: germline.
Comment: The p.L847F variant (also known as c.2539C>T), located in coding exon 20 of the BUB1B gene, results from a C to T substitution at nucleotide position 2539. The leucine at codon 847 is replaced by phenylalanine, an amino acid with highly similar properties. This amino acid position is conserved. In addition, this alteration is predicted to be tolerated by in silico analysis. Based on the available evidence, the clinical significance of this variant remains unclear.